The following is an entry in ClinVar:

NM_014845.6(FIG4):c.2247dup (p.Ser750fs)

Gene: FIG4 (FIG4 phosphoinositide 5-phosphatase; plus strand). Cytogenetic location: 6q21.
Variant type: Duplication.
Coding change: c.2247dup on transcript NM_014845.6 (MANE Select); coding-DNA position 2247, one base duplicated (C; older notation c.2247dupC).
Protein change: p.Ser750fs; shifts the reading frame from serine 750.
Molecular consequence: frameshift variant.
Genome position (GRCh38, 1-based): chr6:109,791,442, C duplicated; the last of 6 consecutive C bases (chr6:109,791,437-109,791,442); duplicating any one gives the same sequence. VCF-style (leftmost placement, unchanged base first): chr6-109791436-G-GC. GRCh37 (hg19) VCF-style: chr6-110112639-G-GC.
Other names: short protein forms S750fs.
Identifiers: ClinVar variation 916868 (VCV000916868.4), dbSNP rs767193357, ClinGen allele CA3956333.

ClinVar aggregate classification (germline): Pathogenic. Review status: criteria provided, multiple submitters, no conflicts (2 of 4 stars). 3 submissions from 3 submitters: Pathogenic (3). Last evaluated 2024-06-19.

Conditions:
Amyotrophic lateral sclerosis type 11 (ALS11). Identifiers: Orphanet 803, MedGen C2675491, MONDO:0012945, OMIM 612577.
Bilateral parasagittal parieto-occipital polymicrogyria. Also called: Polymicrogyria, bilateral temporooccipital. Identifiers: Orphanet 208441, MedGen C4013648, MONDO:0012986, OMIM 612691.
Charcot-Marie-Tooth disease type 4J (CMT4J). Also called: Charcot-Marie-Tooth Neuropathy Type 4J; CHARCOT-MARIE-TOOTH DISEASE, DEMYELINATING, TYPE 4J; CHARCOT-MARIE-TOOTH DISEASE, AUTOSOMAL RECESSIVE, TYPE 4J. Identifiers: Orphanet 139515, MedGen C1970011, MONDO:0012640, OMIM 611228.
Yunis-Varon syndrome (YVS). Also called: Cleidocranial dysplasia, micrognathia, absent thumbs, & distal aphalangia. Identifiers: Orphanet 3472, MedGen C1857663, MONDO:0008995, OMIM 216340.
Charcot-Marie-Tooth disease. Also called: Charcot-Marie-Tooth Hereditary Neuropathy; Charcot-Marie-Tooth Neuropathy. Identifiers: Orphanet 166, MedGen C0007959, MONDO:0015626.
Charcot-Marie-Tooth disease type 4. Also called: Charcot-Marie-Tooth, Type 4; Charcot-Marie-Tooth disease, type IV. Identifiers: Orphanet 64749, MedGen C4082197, MONDO:0018995.

Submissions (3):

Labcorp Genetics (formerly Invitae), Labcorp
Classification: Pathogenic for Charcot-Marie-Tooth disease type 4. Last evaluated: 2024-06-19. Review status: criteria provided, single submitter. Criteria: Invitae Variant Classification Sherloc (09022015). Collection method: clinical testing. Allele origin: germline.
Comment: This sequence change creates a premature translational stop signal (p.Ser750Glnfs*10) in the FIG4 gene. It is expected to result in an absent or disrupted protein product. Loss-of-function variants in FIG4 are known to be pathogenic (PMID: 23623387, 30740813). This variant is present in population databases (rs767193357, gnomAD 0.007%). This premature translational stop signal has been observed in individual(s) with Charcot Marie Tooth disease (PMID: 35225887). ClinVar contains an entry for this variant (Variation ID: 916868). For these reasons, this variant has been classified as Pathogenic.

Fulgent Genetics
Classification: Pathogenic for Yunis-Varon syndrome; Charcot-Marie-Tooth disease type 4J; Amyotrophic lateral sclerosis type 11; Bilateral parasagittal parieto-occipital polymicrogyria. Last evaluated: 2024-02-07. Review status: criteria provided, single submitter. Criteria: ACMG Guidelines, 2015. Collection method: clinical testing. Allele origin: germline.

Molecular Genetics Laboratory, London Health Sciences Centre
Classification: Pathogenic for Charcot-Marie-Tooth disease. Review status: criteria provided, single submitter. Criteria: ACMG Guidelines, 2015. Collection method: clinical testing. Allele origin: germline. Affected: yes.

Literature cited by the submitters: PubMed 23623387 (cited by Labcorp Genetics (formerly Invitae), Labcorp); PubMed 30740813 (cited by Labcorp Genetics (formerly Invitae), Labcorp); PubMed 35225887 (cited by Labcorp Genetics (formerly Invitae), Labcorp).